The following is an entry in ClinVar:

NM_001122955.4(BSCL2):c.806A>G (p.Lys269Arg)

Genes: HNRNPUL2-BSCL2 (HNRNPUL2-BSCL2 readthrough (NMD candidate); minus strand), BSCL2 (BSCL2 lipid droplet biogenesis associated, seipin; minus strand). Cytogenetic location: 11q12.3.
Variant type: single nucleotide variant.
Coding change: c.806A>G on transcript NM_001122955.4 (MANE Select); coding-DNA position 806, A replaced by G.
Protein change: p.Lys269Arg; replaces lysine 269 with arginine.
Molecular consequence: missense variant. On other transcripts: non-coding transcript variant (1).
Genome position (GRCh38, 1-based): chr11:62,692,433, T>C on the plus strand (A>G on the coding strand, the complement: BSCL2 is on the minus strand). VCF-style: chr11-62692433-T-C. GRCh37 (hg19) VCF-style: chr11-62459905-T-C.
Other names: c.614A>G, p.Lys205Arg (NM_001130702.2, NM_032667.6); c.806A>G, p.Lys269Arg (NM_001386027.1, NM_001386028.1); short protein forms K205R, K269R.
Identifiers: ClinVar variation 595335 (VCV000595335.10), dbSNP rs781217574, ClinGen allele CA6053449.
Genomic context (GRCh38, chr11:62,692,433, plus strand): 5'-CACCTGAGCCCAGTGAAGTGCGCGTGGATGCGGAGGTAGGCTCCATACAGCTGGATGCGC[T>C]TGCTGTGGATCTCAATGATCGCTCCAGTGGTCGGCACGTACTGTGAGGGGGTGGGGTGAG-3'
Protein context (NP_001116427.1, residues 259-279): TTGAIIEIHS[Lys269Arg]RIQLYGAYLR

ClinVar aggregate classification (germline): Uncertain significance. Review status: criteria provided, multiple submitters, no conflicts (2 of 4 stars). 3 submissions from 3 submitters: Uncertain significance (3). Last evaluated 2023-10-11.

Conditions:
Charcot-Marie-Tooth disease type 2. Also called: Charcot-Marie-Tooth type 2. Identifiers: Orphanet 64746, MedGen C0270914, MONDO:0018993.
Congenital generalized lipodystrophy type 2 (CGL2). Also called: SEIP SYNDROME; BERARDINELLI SYNDROME; BRUNZELL SYNDROME, BSCL2-RELATED; Berardinelli-Seip Congenital Lipodystrophy Type 2. Identifiers: Orphanet 528, Orphanet 696289, MedGen C1720863, MONDO:0010020, OMIM 269700.
Severe neurodegenerative syndrome with lipodystrophy. Also called: ENCEPHALOPATHY, PROGRESSIVE, WITH LIPODYSTROPHY; Encephalopathy, progressive, with or without lipodystrophy. Identifiers: Orphanet 363400, MedGen C4014700, MONDO:0014402, OMIM 615924.
Hereditary spastic paraplegia 17. Also called: Silver spastic paraplegia syndrome; SPASTIC PARAPLEGIA WITH AMYOTROPHY OF HANDS AND FEET; Spastic Paraplegia 17; Autosomal dominant spastic paraplegia type 17; Silver Syndrome. Identifiers: Orphanet 100998, MedGen C2931276, MONDO:0010043, OMIM 270685.
Neuronopathy, distal hereditary motor, type 5C. Also called: NEURONOPATHY, DISTAL HEREDITARY MOTOR, AUTOSOMAL DOMINANT 13; DHMN VC; NEURONOPATHY, DISTAL HEREDITARY MOTOR, HARDING TYPE VC; NEUROPATHY, DISTAL HEREDITARY MOTOR, HARDING TYPE VC; SPINAL MUSCULAR ATROPHY, DISTAL, HARDING TYPE VC. Identifiers: MedGen C5436838, MONDO:0030860, OMIM 619112.

Allele frequency attached by ClinVar (database versions not stated): gnomAD exomes below 0.00001; ExAC 0.00001.

Submissions (3):

Labcorp Genetics (formerly Invitae), Labcorp
Classification: Uncertain significance for Charcot-Marie-Tooth disease type 2. Last evaluated: 2023-10-11. Review status: criteria provided, single submitter. Criteria: Invitae Variant Classification Sherloc (09022015). Collection method: clinical testing. Allele origin: germline.
Comment: This sequence change replaces lysine, which is basic and polar, with arginine, which is basic and polar, at codon 205 of the BSCL2 protein (p.Lys205Arg). This variant is not present in population databases (gnomAD no frequency). This variant has not been reported in the literature in individuals affected with BSCL2-related conditions. ClinVar contains an entry for this variant (Variation ID: 595335). Advanced modeling of protein sequence and biophysical properties (such as structural, functional, and spatial information, amino acid conservation, physicochemical variation, residue mobility, and thermodynamic stability) performed at Invitae indicates that this missense variant is not expected to disrupt BSCL2 protein function. In summary, the available evidence is currently insufficient to determine the role of this variant in disease. Therefore, it has been classified as a Variant of Uncertain Significance.

Fulgent Genetics
Classification: Uncertain significance for Congenital generalized lipodystrophy type 2; Hereditary spastic paraplegia 17; Severe neurodegenerative syndrome with lipodystrophy; Neuronopathy, distal hereditary motor, type 5C. Last evaluated: 2022-05-05. Review status: criteria provided, single submitter. Criteria: ACMG Guidelines, 2015. Collection method: clinical testing. Allele origin: unknown.

Eurofins Ntd Llc (ga)
Classification: Uncertain significance. Last evaluated: 2017-12-26. Review status: criteria provided, single submitter. Criteria: EGL Classification Definitions 2015. Collection method: clinical testing. Allele origin: germline. Observed: 1 variant allele, 1 heterozygote.